The following is an entry in ClinVar:

ClinVar aggregate classification (germline): Uncertain significance. Review status: criteria provided, multiple submitters, no conflicts (2 of 4 stars). 3 submissions from 3 submitters: Uncertain significance (2). 1 of the submissions does not count toward it. Last evaluated 2026-02-02.

Conditions:
PEX12-related disorder. Also called: PEX12-related disorders; PEX12-related condition.
Inborn genetic diseases. Identifiers: MedGen C0950123, MeSH D030342.
Peroxisome biogenesis disorder 3A (Zellweger). Also called: PEROXISOMAL BIOGENESIS DISORDER 3A (ZELLWEGER); Peroxisome biogenesis disorder 3A. Identifiers: Orphanet 912, MedGen C3553929, MONDO:0013927, OMIM 614859.

Allele frequency attached by ClinVar (database versions not stated): TOPMed 0.00001; gnomAD exomes 0.00002 and 0.00003; ExAC 0.00003.

Submissions (3):

Labcorp Genetics (formerly Invitae), Labcorp
Classification: Uncertain significance for Peroxisome biogenesis disorder 3A (Zellweger). Last evaluated: 2026-02-02. Review status: criteria provided, single submitter. Criteria: Invitae Variant Classification Sherloc (09022015). Collection method: clinical testing. Allele origin: germline.
Comment: This sequence change replaces glycine, which is neutral and non-polar, with serine, which is neutral and polar, at codon 242 of the PEX12 protein (p.Gly242Ser). This variant is present in population databases (rs765982515, gnomAD 0.005%). This variant has not been reported in the literature in individuals affected with PEX12-related conditions. ClinVar contains an entry for this variant (Variation ID: 1449336). Invitae Evidence Modeling of protein sequence and biophysical properties (such as structural, functional, and spatial information, amino acid conservation, physicochemical variation, residue mobility, and thermodynamic stability) indicates that this missense variant is not expected to disrupt PEX12 protein function with a negative predictive value of 80%. In summary, the available evidence is currently insufficient to determine the role of this variant in disease. Therefore, it has been classified as a Variant of Uncertain Significance.

Ambry Genetics
Classification: Uncertain significance for Inborn genetic diseases. Last evaluated: 2025-04-12. Review status: criteria provided, single submitter. Criteria: Ambry Variant Classification Scheme 2023. Collection method: clinical testing. Allele origin: germline.

PreventionGenetics, part of Exact Sciences
Classification: Uncertain significance for PEX12-related condition. Last evaluated: 2024-02-05. Review status: no assertion criteria provided. Collection method: clinical testing. Allele origin: germline. Not counted in ClinVar's aggregate classification.
Comment: The PEX12 c.724G>A variant is predicted to result in the amino acid substitution p.Gly242Ser. To our knowledge, this variant has not been reported in the literature. This variant is reported in 0.0045% of alleles in individuals of European (Non-Finnish) descent in gnomAD. At this time, the clinical significance of this variant is uncertain due to the absence of conclusive functional and genetic evidence.

NM_000286.3(PEX12):c.724G>A (p.Gly242Ser)

Gene: PEX12 (peroxisomal biogenesis factor 12; minus strand). Cytogenetic location: 17q12.
Variant type: single nucleotide variant.
Coding change: c.724G>A on transcript NM_000286.3 (MANE Select); coding-DNA position 724, G replaced by A.
Protein change: p.Gly242Ser; replaces glycine 242 with serine.
Molecular consequence: missense variant.
Genome position (GRCh38, 1-based): chr17:35,576,138, C>T on the plus strand (G>A on the coding strand, the complement: PEX12 is on the minus strand). VCF-style: chr17-35576138-C-T. GRCh37 (hg19) VCF-style: chr17-33903157-C-T.
Other names: c.724G>A (NM_000286.2); short protein forms G242S.
Identifiers: ClinVar variation 1449336 (VCV001449336.8), dbSNP rs765982515, ClinGen allele CA8504852.